The following is an entry in ClinVar:

ClinVar aggregate classification (germline): Uncertain significance (1 of 4 stars; one submission).

Allele frequency attached by ClinVar (database versions not stated): ESP Exome Variant Server 0.00015; gnomAD 0.00001; ExAC 0.00004; TOPMed 0.00002; gnomAD exomes 0.00001.
gnomAD v4.1: 41 of 1,565,850 alleles (0.0026%); highest among the groups gnomAD compares: Non-Finnish European, 0.0035%; no homozygotes.

Submission:

GeneDx
Classification: Uncertain significance. Last evaluated: 2021-10-06. Review status: criteria provided, single submitter. Criteria: GeneDx Variant Classification Process June 2021. Collection method: clinical testing. Allele origin: germline. Affected: yes.
Comment: Not observed at significant frequency in large population cohorts (Lek et al., 2016); In silico analysis supports that this missense variant does not alter protein structure/function; Has not been previously published as pathogenic or benign to our knowledge

NM_020442.6(VARS2):c.938C>A (p.Ser313Tyr)

Gene: VARS2 (valyl-tRNA synthetase 2, mitochondrial; plus strand). Cytogenetic location: 6p21.33.
Variant type: single nucleotide variant.
Coding change: c.938C>A on transcript NM_020442.6 (MANE Select); coding-DNA position 938, C replaced by A.
Protein change: p.Ser313Tyr; replaces serine 313 with tyrosine.
Molecular consequence: missense variant.
Genome position (GRCh38, 1-based): chr6:30,917,759, C>A. VCF-style: chr6-30917759-C-A. GRCh37 (hg19) VCF-style: chr6-30885536-C-A.
Other names: c.518C>A, p.Ser173Tyr (NM_001167733.3); c.1028C>A, p.Ser343Tyr (NM_001167734.2); short protein forms S173Y, S313Y, S343Y.
Identifiers: ClinVar variation 1300643 (VCV001300643.2), dbSNP rs371998967, ClinGen allele CA3705766.